The following is an entry in ClinVar:

NM_003212.4(CRIPTO):c.339-8A>G

Gene: CRIPTO (cripto, EGF-CFC family member; plus strand). Cytogenetic location: 3p21.31.
Variant type: single nucleotide variant.
Coding change: c.339-8A>G on transcript NM_003212.4 (MANE Select); 8 bases into the intron before coding-DNA position 339, A replaced by G.
Molecular consequence: intron variant.
Genome position (GRCh38, 1-based): chr3:46,579,943, A>G. VCF-style: chr3-46579943-A-G. GRCh37 (hg19) VCF-style: chr3-46621433-A-G.
Other names: c.291-8A>G (NM_001174136.2).
Identifiers: ClinVar variation 778071 (VCV000778071.29), dbSNP rs150809256, ClinGen allele CA2356516.

ClinVar aggregate classification (germline): Benign. Review status: criteria provided, multiple submitters, no conflicts (2 of 4 stars). 3 submissions from 3 submitters: Benign (2). 1 of the submissions does not count toward it. Last evaluated 2022-04-01.

Conditions:
CRIPTO-related disorder. Also called: CRIPTO-related condition.

Allele frequency attached by ClinVar (database versions not stated): gnomAD exomes 0.00021 and 0.00043; ExAC 0.00057; ESP Exome Variant Server 0.00138; 1000 Genomes Project 0.00160; gnomAD 0.00165 and 0.00175; 1000 Genomes Project 30x 0.00187; TOPMed 0.00192.
gnomAD v4.1: 577 of 1,614,180 alleles (0.036%); highest among the groups gnomAD compares: African/African-American, 0.51%; 2 homozygotes.

Submissions (3):

CeGaT Center for Human Genetics Tuebingen
Classification: Benign. Last evaluated: 2022-04-01. Review status: criteria provided, single submitter. Criteria: CeGaT Center For Human Genetics Tuebingen Variant Classification Criteria Version 2. Collection method: clinical testing. Allele origin: germline. Affected: yes. Observed: 1 variant allele.
Comment: CRIPTO: BS1, BS2

Labcorp Genetics (formerly Invitae), Labcorp
Classification: Benign. Last evaluated: 2018-01-30. Review status: criteria provided, single submitter. Criteria: Invitae Variant Classification Sherloc (09022015). Collection method: clinical testing. Allele origin: germline.

PreventionGenetics, part of Exact Sciences
Classification: Likely benign for CRIPTO-related condition. Last evaluated: 2019-05-01. Review status: no assertion criteria provided. Collection method: clinical testing. Allele origin: germline. Not counted in ClinVar's aggregate classification.
Comment: This variant is classified as likely benign based on ACMG/AMP sequence variant interpretation guidelines (Richards et al. 2015 PMID: 25741868, with internal and published modifications).